The following is an entry in ClinVar:

NM_000222.3(KIT):c.1780A>C (p.Thr594Pro)

Gene: KIT (KIT proto-oncogene, receptor tyrosine kinase; plus strand). Cytogenetic location: 4q12.
Variant type: single nucleotide variant.
Coding change: c.1780A>C on transcript NM_000222.3 (MANE Select); coding-DNA position 1780, A replaced by C.
Protein change: p.Thr594Pro; replaces threonine 594 with proline.
Molecular consequence: missense variant.
Genome position (GRCh38, 1-based): chr4:54,727,828, A>C. VCF-style: chr4-54727828-A-C. GRCh37 (hg19) VCF-style: chr4-55593994-A-C.
Other names: c.1768A>C, p.Thr590Pro (NM_001093772.2, NM_001385286.1); c.1783A>C, p.Thr595Pro (NM_001385284.1, NM_001385290.1); c.1780A>C, p.Thr594Pro (NM_001385285.1); c.1771A>C, p.Thr591Pro (NM_001385288.1, NM_001385292.1); c.1780A>C (NM_000222.2); short protein forms T590P, T591P, T594P, T595P.
Identifiers: ClinVar variation 1474017 (VCV001474017.9), dbSNP rs2109779265, ClinGen allele CA356907827.

ClinVar aggregate classification (germline): Uncertain significance. Review status: criteria provided, multiple submitters, no conflicts (2 of 4 stars). 2 submissions from 2 submitters: Uncertain significance (2). Last evaluated 2025-08-15.

Conditions:
Gastrointestinal stromal tumor. Also called: Gastrointestinal stroma tumor; Gastrointestinal stromal tumor, somatic. Identifiers: Orphanet 44890, MedGen C0238198, MeSH D046152, MONDO:0011719, OMIM 606764, HP:0100723.
Hereditary cancer-predisposing syndrome. Also called: Hereditary neoplastic syndrome; Tumor predisposition; Hereditary Cancer Syndrome; Neoplastic Syndromes, Hereditary. Identifiers: Orphanet 140162, MedGen C0027672, MeSH D009386, MONDO:0015356.

Submissions (2):

Ambry Genetics
Classification: Uncertain significance for Hereditary cancer-predisposing syndrome. Last evaluated: 2025-08-15. Review status: criteria provided, single submitter. Criteria: Ambry Variant Classification Scheme 2023. Collection method: clinical testing. Allele origin: germline.
Comment: The p.T594P variant (also known as c.1780A>C), located in coding exon 12 of the KIT gene, results from an A to C substitution at nucleotide position 1780. The threonine at codon 594 is replaced by proline, an amino acid with highly similar properties. This amino acid position is conserved. In addition, the in silico prediction for this alteration is inconclusive. Based on the available evidence, the clinical significance of this variant remains unclear.

Labcorp Genetics (formerly Invitae), Labcorp
Classification: Uncertain significance for Gastrointestinal stromal tumor. Last evaluated: 2021-05-28. Review status: criteria provided, single submitter. Criteria: Invitae Variant Classification Sherloc (09022015). Collection method: clinical testing. Allele origin: germline.
Comment: This variant has not been reported in the literature in individuals with KIT-related conditions. In summary, the available evidence is currently insufficient to determine the role of this variant in disease. Therefore, it has been classified as a Variant of Uncertain Significance. Algorithms developed to predict the effect of missense changes on protein structure and function are either unavailable or do not agree on the potential impact of this missense change (SIFT: "Deleterious"; PolyPhen-2: "Probably Damaging"; Align-GVGD: "Class C0"). This variant is not present in population databases (ExAC no frequency). This sequence change replaces threonine with proline at codon 594 of the KIT protein (p.Thr594Pro). The threonine residue is highly conserved and there is a small physicochemical difference between threonine and proline.